The following is an entry in ClinVar:

ClinVar aggregate classification (germline): Pathogenic. Review status: criteria provided, multiple submitters, no conflicts (2 of 4 stars). 2 submissions from 2 submitters: Pathogenic (2). Last evaluated 2024-05-23.

Conditions:
Polycystic kidney disease, adult type (PKD1). Also called: POLYCYSTIC KIDNEY DISEASE 1 WITH OR WITHOUT POLYCYSTIC LIVER DISEASE; Polycystic Kidney Disease 1, Autosomal Dominant; Polycystic kidney disease 1; Polycystic kidney disease 1, severe; Polycystic Kidney, Autosomal Dominant; POLYCYSTIC KIDNEY DISEASE, ADULT, TYPE I. Identifiers: MedGen C3149841, MONDO:0008263, OMIM 173900.

Submissions (2):

Fulgent Genetics
Classification: Pathogenic for Polycystic kidney disease, adult type. Last evaluated: 2024-05-23. Review status: criteria provided, single submitter. Criteria: ACMG Guidelines, 2015. Collection method: clinical testing. Allele origin: germline.

Cavalleri Lab, Royal College of Surgeons in Ireland
Classification: Pathogenic for Polycystic kidney disease, adult type. Last evaluated: 2020-02-05. Review status: criteria provided, single submitter. Criteria: ACMG Guidelines, 2015. Collection method: research. Allele origin: unknown. Inheritance: Autosomal dominant inheritance. Affected: yes.
Comment: PVS1, PM2, PP4, PP5

NM_001009944.3(PKD1):c.288-2A>G

Gene: PKD1 (polycystin 1, transient receptor potential channel interacting; minus strand). Cytogenetic location: 16p13.3.
Variant type: single nucleotide variant.
Coding change: c.288-2A>G on transcript NM_001009944.3 (MANE Select); the canonical splice acceptor site of the intron before coding-DNA position 288, A replaced by G.
Molecular consequence: splice acceptor variant.
Genome position (GRCh38, 1-based): chr16:2,119,187, T>C on the plus strand (A>G on the coding strand, the complement: PKD1 is on the minus strand). VCF-style: chr16-2119187-T-C. GRCh37 (hg19) VCF-style: chr16-2169188-T-C.
Other names: c.288-2A>G (NM_000296.4).
Identifiers: ClinVar variation 873364 (VCV000873364.2), dbSNP rs2092684358, ClinGen allele CA394396082.
Genomic context (GRCh38, chr16:2,119,187, plus strand): 5'-TAAATAAATTAGCAAATATTCCTTCTTCTAACGTAGAAATCTTGTTGTTGCTTATATCCC[T>C]GGAAGAGACGGGGGATTCGGCAAAGCTGATGGAAGCCCCCACAGCTGAGCAGCAAGAGGC-3'